The following is an entry in ClinVar:

ClinVar aggregate classification (germline): Uncertain significance (1 of 4 stars; one submission).

Submission:

GeneDx
Classification: Uncertain significance. Last evaluated: 2024-05-15. Review status: criteria provided, single submitter. Criteria: GeneDx Variant Classification Process June 2021. Collection method: clinical testing. Allele origin: germline. Affected: yes.
Comment: In silico analysis indicates that this variant does not alter protein structure/function; Has not been previously published as pathogenic or benign to our knowledge

NM_015021.3(ZNF292):c.2689_2690delinsCA (p.Ser897Gln)

Gene: ZNF292 (zinc finger protein 292; plus strand). Cytogenetic location: 6q14.3.
Variant type: Indel.
Coding change: c.2689_2690delinsCA on transcript NM_015021.3 (MANE Select); coding-DNA positions 2689 to 2690, TC replaced by CA.
Protein change: p.Ser897Gln; replaces serine 897 with glutamine.
Molecular consequence: missense variant.
Genome position (GRCh38, 1-based): chr6:87,256,318-87,256,319, TC replaced by CA. VCF-style: chr6-87256318-TC-CA. GRCh37 (hg19) VCF-style: chr6-87966036-TC-CA.
Other names: c.2269_2270delinsCA, p.Ser757Gln (NM_001351444.2); short protein forms S757Q, S897Q.
Identifiers: ClinVar variation 3377934 (VCV003377934.1).